The following is an entry in ClinVar:

ClinVar aggregate classification (germline): Uncertain significance (1 of 4 stars; one submission).

Allele frequency attached by ClinVar (database versions not stated): gnomAD exomes 0.00001.

Submission:

GeneDx
Classification: Uncertain significance. Last evaluated: 2026-04-08. Review status: criteria provided, single submitter. Criteria: GeneDx Variant Classification Process June 2021. Collection method: clinical testing. Allele origin: germline.
Comment: Not observed at significant frequency in large population cohorts (gnomAD); In silico analysis supports that this missense variant has a deleterious effect on protein structure/function; Has not been previously published as pathogenic or benign to our knowledge

NM_001466.4(FZD2):c.1163T>G (p.Leu388Arg)

Gene: FZD2 (frizzled class receptor 2; plus strand). Cytogenetic location: 17q21.31.
Variant type: single nucleotide variant.
Coding change: c.1163T>G on transcript NM_001466.4 (MANE Select); coding-DNA position 1163, T replaced by G.
Protein change: p.Leu388Arg; replaces leucine 388 with arginine.
Molecular consequence: missense variant.
Genome position (GRCh38, 1-based): chr17:44,558,851, T>G. VCF-style: chr17-44558851-T-G. GRCh37 (hg19) VCF-style: chr17-42636219-T-G.
Other names: short protein forms L388R.
Identifiers: ClinVar variation 2497890 (VCV002497890.2), dbSNP rs2544584698, ClinGen allele CA399798052.